The following is an entry in ClinVar:

ClinVar aggregate classification (germline): Uncertain significance (1 of 4 stars; one submission).

Submission:

GeneDx
Classification: Uncertain significance. Last evaluated: 2025-02-25. Review status: criteria provided, single submitter. Criteria: GeneDx Variant Classification Process June 2021. Collection method: clinical testing. Allele origin: germline. Affected: yes.
Comment: Not observed at significant frequency in large population cohorts (gnomAD); In silico analysis supports that this missense variant has a deleterious effect on protein structure/function; Has not been previously published as pathogenic or benign to our knowledge

NM_001382241.1(TNPO2):c.1594C>T (p.His532Tyr)

Gene: TNPO2 (transportin 2; minus strand). Cytogenetic location: 19p13.13.
Variant type: single nucleotide variant.
Coding change: c.1594C>T on transcript NM_001382241.1 (MANE Select); coding-DNA position 1594, C replaced by T.
Protein change: p.His532Tyr; replaces histidine 532 with tyrosine.
Molecular consequence: missense variant. On other transcripts: non-coding transcript variant (6).
Genome position (GRCh38, 1-based): chr19:12,706,270, G>A on the plus strand (C>T on the coding strand, the complement: TNPO2 is on the minus strand). VCF-style: chr19-12706270-G-A. GRCh37 (hg19) VCF-style: chr19-12817084-G-A.
Other names: c.1594C>T, p.His532Tyr (NM_001136195.2, NM_001136196.2, NM_001382236.1 and 7 more transcripts); short protein forms H532Y.
Identifiers: ClinVar variation 4076557 (VCV004076557.1).